The following is an entry in ClinVar:

NM_001458.5(FLNC):c.3037T>C (p.Cys1013Arg)

Gene: FLNC (filamin C; plus strand). Cytogenetic location: 7q32.1.
Variant type: single nucleotide variant.
Coding change: c.3037T>C on transcript NM_001458.5 (MANE Select); coding-DNA position 3037, T replaced by C.
Protein change: p.Cys1013Arg; replaces cysteine 1013 with arginine.
Molecular consequence: missense variant.
Genome position (GRCh38, 1-based): chr7:128,844,111, T>C. VCF-style: chr7-128844111-T-C. GRCh37 (hg19) VCF-style: chr7-128484165-T-C.
Other names: c.3037T>C, p.Cys1013Arg (NM_001127487.2); short protein forms C1013R.
Identifiers: ClinVar variation 3756593 (VCV003756593.2).

ClinVar aggregate classification (germline): Uncertain significance (1 of 4 stars; one submission).

Conditions:
Distal myopathy with posterior leg and anterior hand involvement. Also called: WILLIAMS DISTAL MYOPATHY. Identifiers: Orphanet 63273, MedGen C3279722, MONDO:0013550, OMIM 614065.
Hypertrophic cardiomyopathy 26. Also called: Cardiomyopathy, familial hypertrophic, 26. Identifiers: Orphanet 75249, MedGen C4310749, MONDO:0014883, OMIM 617047.
Myofibrillar myopathy 5. Also called: Filaminopathy (type); FILAMINOPATHY, AUTOSOMAL DOMINANT. Identifiers: Orphanet 171445, MedGen C1836050, MONDO:0012289, OMIM 609524.

Submission:

Labcorp Genetics (formerly Invitae), Labcorp
Classification: Uncertain significance for Distal myopathy with posterior leg and anterior hand involvement; Myofibrillar myopathy 5; Hypertrophic cardiomyopathy 26. Last evaluated: 2024-05-29. Review status: criteria provided, single submitter. Criteria: Invitae Variant Classification Sherloc (09022015). Collection method: clinical testing. Allele origin: germline.
Comment: This sequence change replaces cysteine, which is neutral and slightly polar, with arginine, which is basic and polar, at codon 1013 of the FLNC protein (p.Cys1013Arg). This variant is not present in population databases (gnomAD no frequency). This variant has not been reported in the literature in individuals affected with FLNC-related conditions. Advanced modeling of protein sequence and biophysical properties (such as structural, functional, and spatial information, amino acid conservation, physicochemical variation, residue mobility, and thermodynamic stability) has been performed at Invitae for this missense variant, however the output from this modeling did not meet the statistical confidence thresholds required to predict the impact of this variant on FLNC protein function. In summary, the available evidence is currently insufficient to determine the role of this variant in disease. Therefore, it has been classified as a Variant of Uncertain Significance.